The following is an entry in ClinVar:

NM_015295.3(SMCHD1):c.2981C>G (p.Thr994Arg)

Gene: SMCHD1 (structural maintenance of chromosomes flexible hinge domain containing 1; plus strand). Cytogenetic location: 18p11.32.
Variant type: single nucleotide variant.
Coding change: c.2981C>G on transcript NM_015295.3 (MANE Select); coding-DNA position 2981, C replaced by G.
Protein change: p.Thr994Arg; replaces threonine 994 with arginine.
Molecular consequence: missense variant.
Genome position (GRCh38, 1-based): chr18:2,729,342, C>G. VCF-style: chr18-2729342-C-G. GRCh37 (hg19) VCF-style: chr18-2729340-C-G.
Other names: short protein forms T994R.
Identifiers: ClinVar variation 2706877 (VCV002706877.3), dbSNP rs1158067842, ClinGen allele CA401684094.

ClinVar aggregate classification (germline): Uncertain significance (1 of 4 stars; one submission).

Conditions:
Facioscapulohumeral muscular dystrophy 2 (FSHD2). Also called: MUSCULAR DYSTROPHY, FACIOSCAPULOHUMERAL, TYPE 1B; FACIOSCAPULOHUMERAL MUSCULAR DYSTROPHY 2, DIGENIC; FSHD2, DIGENIC. Identifiers: Orphanet 269, MedGen C1834671, MONDO:0008031, OMIM 158901.

Allele frequency attached by ClinVar (database versions not stated): gnomAD exomes below 0.00001.
gnomAD v4.1: 1 of 1,559,600 alleles (0.000064%); highest among the groups gnomAD compares: South Asian, 0.0012%; no homozygotes.

Submission:

Labcorp Genetics (formerly Invitae), Labcorp
Classification: Uncertain significance for Facioscapulohumeral muscular dystrophy 2. Last evaluated: 2024-01-01. Review status: criteria provided, single submitter. Criteria: Invitae Variant Classification Sherloc (09022015). Collection method: clinical testing. Allele origin: germline.
Comment: This sequence change replaces threonine, which is neutral and polar, with arginine, which is basic and polar, at codon 994 of the SMCHD1 protein (p.Thr994Arg). This variant is not present in population databases (gnomAD no frequency). This variant has not been reported in the literature in individuals affected with SMCHD1-related conditions. Advanced modeling of protein sequence and biophysical properties (such as structural, functional, and spatial information, amino acid conservation, physicochemical variation, residue mobility, and thermodynamic stability) has been performed at Invitae for this missense variant, however the output from this modeling did not meet the statistical confidence thresholds required to predict the impact of this variant on SMCHD1 protein function. In summary, the available evidence is currently insufficient to determine the role of this variant in disease. Therefore, it has been classified as a Variant of Uncertain Significance.